The following is an entry in ClinVar:

ClinVar aggregate classification (germline): Benign/Likely benign. Review status: criteria provided, multiple submitters, no conflicts (2 of 4 stars). 4 submissions from 4 submitters: Benign (2); Likely benign (1). 1 of the submissions does not count toward it. Last evaluated 2026-01-26.

Conditions:
LRRK1-related disorder. Also called: LRRK1-related condition.

Allele frequency attached by ClinVar (database versions not stated): 1000 Genomes Project 0.00200; 1000 Genomes Project 30x 0.00234; TOPMed 0.00316; gnomAD 0.00329 and 0.00335; ESP Exome Variant Server 0.00370; gnomAD exomes 0.00407 and 0.00505; ExAC 0.00423.
gnomAD v4.1: 7,856 of 1,613,978 alleles (0.49%); highest among the groups gnomAD compares: South Asian, 0.7%; 36 homozygotes.

Submissions (4):

Labcorp Genetics (formerly Invitae), Labcorp
Classification: Benign. Last evaluated: 2026-01-26. Review status: criteria provided, single submitter. Criteria: Invitae Variant Classification Sherloc (09022015). Collection method: clinical testing. Allele origin: germline.

CeGaT Center for Human Genetics Tuebingen
Classification: Likely benign. Last evaluated: 2025-11-01. Review status: criteria provided, single submitter. Criteria: CeGaT Center For Human Genetics Tuebingen Variant Classification Criteria Version 2. Collection method: clinical testing. Allele origin: germline. Affected: yes. Observed: 1 variant allele.
Comment: LRRK1: BS2

Breakthrough Genomics
Classification: Benign. Review status: criteria provided, single submitter. Criteria: ACMG Guidelines, 2015. Collection method: not provided. Allele origin: germline. Inheritance: Autosomal recessive inheritance. Affected: yes.

PreventionGenetics, part of Exact Sciences
Classification: Benign for LRRK1-related condition. Last evaluated: 2019-03-29. Review status: no assertion criteria provided. Collection method: clinical testing. Allele origin: germline. Not counted in ClinVar's aggregate classification.
Comment: This variant is classified as benign based on ACMG/AMP sequence variant interpretation guidelines (Richards et al. 2015 PMID: 25741868, with internal and published modifications).

NM_024652.6(LRRK1):c.2089G>A (p.Val697Ile)

Gene: LRRK1 (leucine rich repeat kinase 1; plus strand). Cytogenetic location: 15q26.3.
Variant type: single nucleotide variant.
Coding change: c.2089G>A on transcript NM_024652.6 (MANE Select); coding-DNA position 2089, G replaced by A.
Protein change: p.Val697Ile; replaces valine 697 with isoleucine.
Molecular consequence: missense variant.
Genome position (GRCh38, 1-based): chr15:101,024,824, G>A. VCF-style: chr15-101024824-G-A. GRCh37 (hg19) VCF-style: chr15-101565029-G-A.
Other names: c.2089G>A (NM_024652.5); short protein forms V697I.
Identifiers: ClinVar variation 782010 (VCV000782010.19), dbSNP rs141102052, ClinGen allele CA7761127.
Genomic context (GRCh38, chr15:101,024,824, plus strand): 5'-CTAAAATGCCTCCCTGTCGCTGCCTTGTTGCTCAAGTAGGTTGAGTCCGTGGAGTTCAAC[G>A]TCTGGGACATCGGGGGACCGGCCAGCATGGCCACTGTCAACCAGTGCTTCTTCACGGACA-3'
Protein context (NP_078928.3, residues 687-707): RAKVESVEFN[Val697Ile]WDIGGPASMA